The following is an entry in ClinVar:

NM_000530.8(MPZ):c.290A>T (p.Glu97Val)

Gene: MPZ (myelin protein zero; minus strand). Cytogenetic location: 1q23.3.
Variant type: single nucleotide variant.
Coding change: c.290A>T on transcript NM_000530.8 (MANE Select); coding-DNA position 290, A replaced by T.
Protein change: p.Glu97Val; replaces glutamic acid 97 with valine.
Molecular consequence: missense variant.
Genome position (GRCh38, 1-based): chr1:161,306,866, T>A on the plus strand (A>T on the coding strand, the complement: MPZ is on the minus strand). VCF-style: chr1-161306866-T-A. GRCh37 (hg19) VCF-style: chr1-161276656-T-A.
Other names: c.290A>T, p.Glu97Val (LRG_256t1, NM_001315491.2); short protein forms E97V.
Identifiers: ClinVar variation 14195 (VCV000014195.8), dbSNP rs121913606, ClinGen allele CA257172.

ClinVar aggregate classification (germline): Uncertain significance. Review status: criteria provided, single submitter (1 of 4 stars). 2 submissions from 2 submitters: Uncertain significance (1). 1 of the submissions does not count toward it. Last evaluated 2024-02-09.

Conditions:
Charcot-Marie-Tooth disease, type I (CMT1). Also called: Charcot-Marie-Tooth, Type 1; Charcot-Marie-Tooth disease type 1. Identifiers: Orphanet 65753, MedGen C0751036, MONDO:0019011.
Charcot-Marie-Tooth disease type 2J (CMT2J). Also called: CHARCOT-MARIE-TOOTH DISEASE, AXONAL, TYPE 2J; CHARCOT-MARIE-TOOTH DISEASE, TYPE 2, WITH HEARING LOSS AND PUPILLARY ABNORMALITIES; CHARCOT-MARIE-TOOTH NEUROPATHY, TYPE 2J. Identifiers: Orphanet 99943, MedGen C1843153, MONDO:0011903, OMIM 607736.

Submissions (2):

Labcorp Genetics (formerly Invitae), Labcorp
Classification: Uncertain significance for Charcot-Marie-Tooth disease, type I. Last evaluated: 2024-02-09. Review status: criteria provided, single submitter. Criteria: Invitae Variant Classification Sherloc (09022015). Collection method: clinical testing. Allele origin: germline.
Comment: This sequence change replaces glutamic acid, which is acidic and polar, with valine, which is neutral and non-polar, at codon 97 of the MPZ protein (p.Glu97Val). This variant is not present in population databases (gnomAD no frequency). This missense change has been observed in individual(s) with Charcot-Marie-Tooth disease (PMID: 15326256). ClinVar contains an entry for this variant (Variation ID: 14195). Advanced modeling of protein sequence and biophysical properties (such as structural, functional, and spatial information, amino acid conservation, physicochemical variation, residue mobility, and thermodynamic stability) has been performed at Invitae for this missense variant, however the output from this modeling did not meet the statistical confidence thresholds required to predict the impact of this variant on MPZ protein function. In summary, the available evidence is currently insufficient to determine the role of this variant in disease. Therefore, it has been classified as a Variant of Uncertain Significance.

OMIM
Classification: Pathogenic for CHARCOT-MARIE-TOOTH DISEASE, TYPE 2J. Last evaluated: 2004-08-24. Review status: no assertion criteria provided. Collection method: literature only. Allele origin: germline. Not counted in ClinVar's aggregate classification.

Literature cited by the submitters: PubMed 15326256 (cited by Labcorp Genetics (formerly Invitae), Labcorp and OMIM).